The following is an entry in ClinVar:

NM_001127222.2(CACNA1A):c.4684G>C (p.Val1562Leu)

Gene: CACNA1A (calcium voltage-gated channel subunit alpha1 A; minus strand). Cytogenetic location: 19p13.13.
Variant type: single nucleotide variant.
Coding change: c.4684G>C on transcript NM_001127222.2 (MANE Select); coding-DNA position 4684, G replaced by C.
Protein change: p.Val1562Leu; replaces valine 1562 with leucine.
Molecular consequence: missense variant.
Genome position (GRCh38, 1-based): chr19:13,255,166, C>G on the plus strand (G>C on the coding strand, the complement: CACNA1A is on the minus strand). VCF-style: chr19-13255166-C-G. GRCh37 (hg19) VCF-style: chr19-13365980-C-G.
Other names: c.4696G>C, p.Val1566Leu (NM_000068.4, NM_023035.3); c.4687G>C, p.Val1563Leu (NM_001127221.2, NM_001174080.2); short protein forms V1562L, V1566L, V1563L.
Identifiers: ClinVar variation 943800 (VCV000943800.12), dbSNP rs1568465560, ClinGen allele CA404338473.

ClinVar aggregate classification (germline): Uncertain significance. Review status: criteria provided, multiple submitters, no conflicts (2 of 4 stars). 2 submissions from 2 submitters: Uncertain significance (2). Last evaluated 2026-07-29.

Conditions:
Developmental and epileptic encephalopathy, 42 (DEE42A). Also called: DEVELOPMENTAL AND EPILEPTIC ENCEPHALOPATHY 42A; EPILEPTIC ENCEPHALOPATHY, EARLY INFANTILE, 42A; Epileptic encephalopathy, early infantile, 42. Identifiers: MedGen C4310716, MONDO:0014917, OMIM 617106.
Episodic ataxia type 2 (EA2). Also called: CEREBELLAR ATAXIA, PAROXYSMAL, ACETAZOLAMIDE-RESPONSIVE; CEREBELLOPATHY, HEREDITARY PAROXYSMAL; EPISODIC ATAXIA, NYSTAGMUS-ASSOCIATED; ACETAZOLAMIDE-RESPONSIVE HEREDITARY PAROXYSMAL CEREBELLAR ATAXIA; ATAXIA, EPISODIC, WITH NYSTAGMUS; ATAXIA, FAMILIAL PAROXYSMAL. Identifiers: Orphanet 97, MedGen C1720416, MONDO:0007163, OMIM 108500.

gnomAD v4.1: 1 of 1,613,890 alleles (0.000062%); highest among the groups gnomAD compares: Admixed American, 0.0017%; no homozygotes.

Submissions (2):

GeneDx
Classification: Uncertain significance. Last evaluated: 2026-07-29. Review status: criteria provided, single submitter. Criteria: GeneDx Variant Classification Process June 2021. Collection method: clinical testing. Allele origin: germline.
Comment: Not observed at significant frequency in large population cohorts (gnomAD); In silico analysis supports that this missense variant has a deleterious effect on protein structure/function; Has not been previously published as pathogenic or benign to our knowledge

Labcorp Genetics (formerly Invitae), Labcorp
Classification: Uncertain significance for Developmental and epileptic encephalopathy, 42; Episodic ataxia type 2. Last evaluated: 2020-08-25. Review status: criteria provided, single submitter. Criteria: Invitae Variant Classification Sherloc (09022015). Collection method: clinical testing. Allele origin: germline.
Comment: This variant is not present in population databases (ExAC no frequency). This variant has not been reported in the literature in individuals with CACNA1A-related conditions. Algorithms developed to predict the effect of missense changes on protein structure and function (SIFT, PolyPhen-2, Align-GVGD) all suggest that this variant is likely to be disruptive, but these predictions have not been confirmed by published functional studies and their clinical significance is uncertain. In summary, the available evidence is currently insufficient to determine the role of this variant in disease. Therefore, it has been classified as a Variant of Uncertain Significance. This sequence change replaces valine with leucine at codon 1563 of the CACNA1A protein (p.Val1563Leu). The valine residue is highly conserved and there is a small physicochemical difference between valine and leucine.